The following is an entry in ClinVar:

NM_017636.4(TRPM4):c.2089_2090delinsGC (p.Phe697Ala)

Gene: TRPM4 (transient receptor potential cation channel subfamily M member 4; plus strand). Cytogenetic location: 19q13.33.
Variant type: Indel.
Coding change: c.2089_2090delinsGC on transcript NM_017636.4 (MANE Select); coding-DNA positions 2089 to 2090, TT replaced by GC.
Protein change: p.Phe697Ala; replaces phenylalanine 697 with alanine.
Molecular consequence: missense variant.
Genome position (GRCh38, 1-based): chr19:49,190,277-49,190,278, TT replaced by GC. VCF-style: chr19-49190277-TT-GC. GRCh37 (hg19) VCF-style: chr19-49693534-TT-GC.
Other names: c.2089_2090delinsGC, p.Phe697Ala (NM_001195227.2); c.1744_1745delinsGC, p.Phe582Ala (NM_001321281.2); c.481_482delinsGC, p.Phe161Ala (NM_001321282.2); c.1567_1568delinsGC, p.Phe523Ala (NM_001321283.2); c.1027_1028delinsGC, p.Phe343Ala (NM_001321285.2); short protein forms F523A, F161A, F697A, F582A, F343A.
Identifiers: ClinVar variation 3974256 (VCV003974256.1).

ClinVar aggregate classification (germline): Uncertain significance (1 of 4 stars; one submission).

Conditions:
Cardiovascular phenotype. Identifiers: MedGen CN230736.

Submission:

Ambry Genetics
Classification: Uncertain significance for Cardiovascular phenotype. Last evaluated: 2025-04-16. Review status: criteria provided, single submitter. Criteria: Ambry Variant Classification Scheme 2023. Collection method: clinical testing. Allele origin: germline.
Comment: The c.2089_2090delTTinsGC variant (also known as p.F697A), located in coding exon 15 of the TRPM4 gene, results from an in-frame deletion of TT and insertion of GC at nucleotide positions 2089 to 2090. This results in the substitution of the phenylalanine residue for an alanine residue at codon 697, an amino acid with dissimilar properties. This amino acid position is highly conserved in available vertebrate species. In addition, the in silico prediction for this alteration is inconclusive (Choi Y et al. PLoS ONE. 2012; 7(10):e46688). Based on the available evidence, the clinical significance of this variant remains unclear.